The following is an entry in ClinVar:

ClinVar aggregate classification (germline): Conflicting classifications of pathogenicity. Review status: criteria provided, conflicting classifications (1 of 4 stars). 5 submissions from 5 submitters: Pathogenic (2); Likely pathogenic (1); Uncertain significance (1). 1 of the submissions does not count toward it. Last evaluated 2024-09-08.

Conditions:
Hereditary spastic paraplegia 4. Also called: Spastic paraplegia 4, autosomal dominant; Spastic Paraplegia 4; Familial spastic paraplegia autosomal dominant 2. Identifiers: Orphanet 100985, MedGen C1866855, MONDO:0008438, OMIM 182601.

Submissions (5):

Labcorp Genetics (formerly Invitae), Labcorp
Classification: Pathogenic for Hereditary spastic paraplegia 4. Last evaluated: 2024-09-08. Review status: criteria provided, single submitter. Criteria: Invitae Variant Classification Sherloc (09022015). Collection method: clinical testing. Allele origin: germline.
Comment: This sequence change falls in intron 9 of the SPAST gene. It does not directly change the encoded amino acid sequence of the SPAST protein. RNA analysis indicates that this variant induces altered splicing and likely results in a shortened protein product. This variant is not present in population databases (gnomAD no frequency). This variant has been observed in individuals with hereditary spastic paraplegia (PMID: 11309678; internal data). It has also been observed to segregate with disease in related individuals. This variant is also known as IVS9+6T>G. ClinVar contains an entry for this variant (Variation ID: 987504). Variants that disrupt the consensus splice site are a relatively common cause of aberrant splicing (PMID: 17576681, 9536098). Studies have shown that this variant results in skipping of exon 9, but is expected to preserve the integrity of the reading-frame (PMID: 11309678). For these reasons, this variant has been classified as Pathogenic.

GeneDx
Classification: Uncertain significance. Last evaluated: 2024-03-11. Review status: criteria provided, single submitter. Criteria: GeneDx Variant Classification Process June 2021. Collection method: clinical testing. Allele origin: germline. Affected: yes.
Comment: Not observed at significant frequency in large population cohorts (gnomAD); In silico analysis supports a deleterious effect on splicing; Also known as IVS9+6T>G; This variant is associated with the following publications: (PMID: 25525159, 11309678, 34758253)

MGZ Medical Genetics Center
Classification: Likely pathogenic for Hereditary spastic paraplegia 4. Last evaluated: 2022-07-19. Review status: criteria provided, single submitter. Criteria: ACMG Guidelines, 2015. Collection method: clinical testing. Allele origin: germline. Affected: yes. Observed: 2 variant alleles.
Comment: ACMG criteria applied: PS3_MOD, PS4_MOD, PM2_SUP, PP1

Institute of Medical Genetics and Applied Genomics, University Hospital Tübingen
Classification: Pathogenic. Last evaluated: 2020-10-23. Review status: criteria provided, single submitter. Criteria: ACMG Guidelines, 2015. Collection method: clinical testing. Allele origin: germline. Inheritance: Unknown mechanism. Affected: yes.

Genomics England Pilot Project, Genomics England
Classification: Likely pathogenic for Hereditary spastic paraplegia 4. Review status: no assertion criteria provided. Criteria: ACGS Guidelines, 2016. Collection method: clinical testing. Allele origin: germline. Affected: yes. Not counted in ClinVar's aggregate classification.

Literature cited by the submitters: PubMed 11309678 (cited by Labcorp Genetics (formerly Invitae), Labcorp); PubMed 17576681 (cited by Labcorp Genetics (formerly Invitae), Labcorp); PubMed 9536098 (cited by Labcorp Genetics (formerly Invitae), Labcorp).

NM_014946.4(SPAST):c.1245+6T>G

Gene: SPAST (spastin; plus strand). Cytogenetic location: 2p22.3.
Variant type: single nucleotide variant.
Coding change: c.1245+6T>G on transcript NM_014946.4 (MANE Select); 6 bases into the intron after coding-DNA position 1245, T replaced by G.
Molecular consequence: intron variant.
Genome position (GRCh38, 1-based): chr2:32,128,485, T>G. VCF-style: chr2-32128485-T-G. GRCh37 (hg19) VCF-style: chr2-32353554-T-G.
Other names: c.1149+6T>G (NM_199436.2, NM_001377959.1); c.1242+6T>G (NM_001363823.2); c.1146+6T>G (NM_001363875.2).
Identifiers: ClinVar variation 987504 (VCV000987504.12), dbSNP rs1553317050, ClinGen allele CA1139656822.